The following is an entry in ClinVar:

ClinVar aggregate classification (germline): Uncertain significance (1 of 4 stars; one submission).

Conditions:
Ehlers-Danlos syndrome, musculocontractural type 2 (EDSMC2). Identifiers: Orphanet 2953, MedGen C3809845, MONDO:0014236, OMIM 615539.

gnomAD v4.1: 2 of 1,609,598 alleles (0.00012%); highest among the groups gnomAD compares: Non-Finnish European, 0.00017%; no homozygotes.

Submission:

Labcorp Genetics (formerly Invitae), Labcorp
Classification: Uncertain significance for Ehlers-Danlos syndrome, musculocontractural type 2. Last evaluated: 2024-07-02. Review status: criteria provided, single submitter. Criteria: Invitae Variant Classification Sherloc (09022015). Collection method: clinical testing. Allele origin: germline.
Comment: This sequence change falls in intron 2 of the DSE gene. It does not directly change the encoded amino acid sequence of the DSE protein. It affects a nucleotide within the consensus splice site. This variant is not present in population databases (gnomAD no frequency). This variant has not been reported in the literature in individuals affected with DSE-related conditions. Variants that disrupt the consensus splice site are a relatively common cause of aberrant splicing (PMID: 17576681, 9536098). Algorithms developed to predict the effect of sequence changes on RNA splicing suggest that this variant is not likely to affect RNA splicing. In summary, the available evidence is currently insufficient to determine the role of this variant in disease. Therefore, it has been classified as a Variant of Uncertain Significance.

Literature cited by the submitters: PubMed 17576681; PubMed 9536098.

NM_013352.4(DSE):c.416+4G>C

Gene: DSE (dermatan sulfate epimerase; plus strand). Cytogenetic location: 6q22.1.
Variant type: single nucleotide variant.
Coding change: c.416+4G>C on transcript NM_013352.4 (MANE Select); 4 bases into the intron after coding-DNA position 416, G replaced by C.
Molecular consequence: intron variant.
Genome position (GRCh38, 1-based): chr6:116,399,670, G>C. VCF-style: chr6-116399670-G-C. GRCh37 (hg19) VCF-style: chr6-116720833-G-C.
Other names: c.416+4G>C (NM_001322944.2, NM_001322943.2, NM_001322937.2 and 3 more transcripts); c.-146+8G>C (NM_001322941.2, NM_001322940.2); c.-485+4G>C (NM_001374520.1); c.-172+4G>C (NM_001374521.1); c.473+4G>C (NM_001322939.2).
Identifiers: ClinVar variation 3615971 (VCV003615971.2).